The following is an entry in ClinVar:

NM_134261.3(RORA):c.1237A>G (p.Met413Val)

Genes: RORA (RAR related orphan receptor A; minus strand), RORA-AS1 (RORA antisense RNA 1; plus strand). Cytogenetic location: 15q22.2.
Variant type: single nucleotide variant.
Coding change: c.1237A>G on transcript NM_134261.3 (MANE Select); coding-DNA position 1237, A replaced by G.
Protein change: p.Met413Val; replaces methionine 413 with valine.
Molecular consequence: missense variant.
Genome position (GRCh38, 1-based): chr15:60,501,016, T>C on the plus strand (A>G on the coding strand, the complement: RORA is on the minus strand). VCF-style: chr15-60501016-T-C. GRCh37 (hg19) VCF-style: chr15-60793215-T-C.
Other names: c.1312A>G, p.Met438Val (NM_002943.4); c.1336A>G, p.Met446Val (NM_134260.3); c.1072A>G, p.Met358Val (NM_134262.3); short protein forms M358V, M413V, M438V, M446V.
Identifiers: ClinVar variation 4534845 (VCV004534845.6).

ClinVar aggregate classification (germline): Uncertain significance (1 of 4 stars; one submission).

Submission:

CeGaT Center for Human Genetics Tuebingen
Classification: Uncertain significance. Last evaluated: 2025-10-01. Review status: criteria provided, single submitter. Criteria: CeGaT Center For Human Genetics Tuebingen Variant Classification Criteria Version 2. Collection method: clinical testing. Allele origin: germline. Affected: yes. Observed: 1 variant allele.
Comment: RORA: PM2